The following is an entry in ClinVar:

NM_000257.4(MYH7):c.5737G>A (p.Ala1913Thr)

Gene: MYH7 (myosin heavy chain 7; minus strand). Cytogenetic location: 14q11.2.
Variant type: single nucleotide variant.
Coding change: c.5737G>A on transcript NM_000257.4 (MANE Select); coding-DNA position 5737, G replaced by A.
Protein change: p.Ala1913Thr; replaces alanine 1913 with threonine.
Molecular consequence: missense variant.
Genome position (GRCh38, 1-based): chr14:23,413,812, C>T on the plus strand (G>A on the coding strand, the complement: MYH7 is on the minus strand). VCF-style: chr14-23413812-C-T. GRCh37 (hg19) VCF-style: chr14-23883021-C-T.
Other names: short protein forms A1913T.
Identifiers: ClinVar variation 571738 (VCV000571738.15), dbSNP rs747451109, ClinGen allele CA048119.
Genomic context (GRCh38, chr14:23,413,812, plus strand): 5'-GACCCACCTTCGTGCCAATGTCACGGCTCTTGGCCCGCAGCTTGTTGACCTGGGACTCGG[C>T]GATGTCCGCCCGCTCCTCTGCCTCATCCAGCTCGTGCTGCACCTTGCGGAACTTGGACAG-3'
Protein context (NP_000248.2, residues 1903-1923): LDEAEERADI[Ala1913Thr]ESQVNKLRAK

ClinVar aggregate classification (germline): Uncertain significance. Review status: criteria provided, multiple submitters, no conflicts (2 of 4 stars). 5 submissions from 5 submitters: Uncertain significance (5). Last evaluated 2023-01-11.

Conditions:
Myopathy, myosin storage, autosomal recessive (CMYO7B). Also called: CONGENITAL MYOPATHY 7B, MYOSIN STORAGE, AUTOSOMAL RECESSIVE. Identifiers: Orphanet 636970, MedGen C1850709, MONDO:0009708, OMIM 255160.
Hypertrophic cardiomyopathy 1 (CMH1). Also called: MYH7-Related Familial Hypertrophic Cardiomyopathy; Familial hypertrophic cardiomyopathy 1. Identifiers: MedGen C3495498, MONDO:0008647, OMIM 192600.
Myosin storage myopathy (CMYO7A). Also called: MYOPATHY WITH LYSIS OF TYPE I MYOFIBRILS; MYOPATHY, HYALINE BODY, AUTOSOMAL DOMINANT; MYH7-related late-onset scapuloperoneal muscular dystrophy; Congenital myopathy 7A, myosin storage, autosomal dominant; Scapuloperoneal myopathy, MYH7-related; SCAPULOPERONEAL MUSCULAR DYSTROPHY. Identifiers: Orphanet 437572, Orphanet 636965, MedGen C1842160, MONDO:0008409, OMIM 608358.
Congenital myopathy with fiber type disproportion. Also called: Congenital fiber-type disproportion myopathy; Congenital fiber-type disproportion. Identifiers: Orphanet 2020, MedGen C0546264, MONDO:0009711. Inheritance: all.
MYH7-related skeletal myopathy. Also called: Myopathy, distal, 1; MYOPATHY, DISTAL, EARLY-ONSET, AUTOSOMAL DOMINANT; MYOPATHY, LATE DISTAL HEREDITARY; Laing distal myopathy; Laing early-onset distal myopathy. Identifiers: Orphanet 59135, MedGen C4552004, MONDO:0008050, OMIM 160500.
Dilated cardiomyopathy 1S (CMD1S). Identifiers: Orphanet 154, Orphanet 54260, MedGen C1834481, MONDO:0013262, OMIM 613426.
Cardiomyopathy (CMYO). Also called: Cardiomyopathies. Identifiers: Orphanet 167848, MedGen C0878544, MONDO:0004994, HP:0001638. Inheritance: Various modes of inheritance.
Cardiovascular phenotype. Identifiers: MedGen CN230736.
Hypertrophic cardiomyopathy. Also called: HYPERTROPHIC MYOCARDIOPATHY. Identifiers: Orphanet 217569, MedGen C0007194, MeSH D002312, MONDO:0005045, HP:0001639.

Allele frequency attached by ClinVar (database versions not stated): gnomAD exomes below 0.00001 and 0.00001; ExAC 0.00001; gnomAD 0.00001.
gnomAD v4.1: 5 of 1,614,142 alleles (0.00031%); highest among the groups gnomAD compares: South Asian, 0.0022%; no homozygotes.

Submissions (5):

CHEO Genetics Diagnostic Laboratory, Children's Hospital of Eastern Ontario
Classification: Uncertain significance for Cardiomyopathy. Last evaluated: 2023-01-11. Review status: criteria provided, single submitter. Criteria: ACMG Guidelines, 2015. Collection method: clinical testing. Allele origin: germline.

Labcorp Genetics (formerly Invitae), Labcorp
Classification: Uncertain significance for Hypertrophic cardiomyopathy. Last evaluated: 2022-10-25. Review status: criteria provided, single submitter. Criteria: Invitae Variant Classification Sherloc (09022015). Collection method: clinical testing. Allele origin: germline.
Comment: This sequence change replaces alanine, which is neutral and non-polar, with threonine, which is neutral and polar, at codon 1913 of the MYH7 protein (p.Ala1913Thr). This variant is present in population databases (rs747451109, gnomAD 0.006%). This missense change has been observed in individual(s) with clinical features of MYH7-related conditions (Invitae). ClinVar contains an entry for this variant (Variation ID: 571738). Advanced modeling of protein sequence and biophysical properties (such as structural, functional, and spatial information, amino acid conservation, physicochemical variation, residue mobility, and thermodynamic stability) performed at Invitae indicates that this missense variant is expected to disrupt MYH7 protein function. In summary, the available evidence is currently insufficient to determine the role of this variant in disease. Therefore, it has been classified as a Variant of Uncertain Significance.

Fulgent Genetics
Classification: Uncertain significance for MYH7-related skeletal myopathy; Myosin storage myopathy; Hypertrophic cardiomyopathy 1; Myopathy, myosin storage, autosomal recessive; Congenital myopathy 4A, autosomal dominant; Dilated cardiomyopathy 1S. Last evaluated: 2021-09-03. Review status: criteria provided, single submitter. Criteria: ACMG Guidelines, 2015. Collection method: clinical testing. Allele origin: unknown.

GeneDx
Classification: Uncertain significance. Last evaluated: 2021-05-25. Review status: criteria provided, single submitter. Criteria: GeneDx Variant Classification Process June 2021. Collection method: clinical testing. Allele origin: germline. Affected: yes.
Comment: Not observed at a significant frequency in large population cohorts (Lek et al., 2016); In silico analysis, which includes protein predictors and evolutionary conservation, supports a deleterious effect; Has not been previously published as pathogenic or benign to our knowledge

Ambry Genetics
Classification: Uncertain significance for Cardiovascular phenotype. Last evaluated: 2021-04-07. Review status: criteria provided, single submitter. Criteria: Ambry Variant Classification Scheme 2023. Collection method: clinical testing. Allele origin: germline.
Comment: The p.A1913T variant (also known as c.5737G>A), located in coding exon 37 of the MYH7 gene, results from a G to A substitution at nucleotide position 5737. The alanine at codon 1913 is replaced by threonine, an amino acid with similar properties. This amino acid position is highly conserved in available vertebrate species. In addition, this alteration is predicted to be deleterious by in silico analysis. Since supporting evidence is limited at this time, the clinical significance of this alteration remains unclear.